The following is an entry in ClinVar:

NM_001458.5(FLNC):c.4159A>C (p.Ile1387Leu)

Gene: FLNC (filamin C; plus strand). Cytogenetic location: 7q32.1.
Variant type: single nucleotide variant.
Coding change: c.4159A>C on transcript NM_001458.5 (MANE Select); coding-DNA position 4159, A replaced by C.
Protein change: p.Ile1387Leu; replaces isoleucine 1387 with leucine.
Molecular consequence: missense variant.
Genome position (GRCh38, 1-based): chr7:128,846,776, A>C. VCF-style: chr7-128846776-A-C. GRCh37 (hg19) VCF-style: chr7-128486830-A-C.
Other names: c.4159A>C, p.Ile1387Leu (NM_001127487.2); short protein forms I1387L.
Identifiers: ClinVar variation 2954088 (VCV002954088.3), dbSNP rs1032003580, ClinGen allele CA369200436.

ClinVar aggregate classification (germline): Uncertain significance (1 of 4 stars; one submission).

Conditions:
Hypertrophic cardiomyopathy 26. Also called: Cardiomyopathy, familial hypertrophic, 26. Identifiers: Orphanet 75249, MedGen C4310749, MONDO:0014883, OMIM 617047.
Myofibrillar myopathy 5. Also called: Filaminopathy (type); FILAMINOPATHY, AUTOSOMAL DOMINANT. Identifiers: Orphanet 171445, MedGen C1836050, MONDO:0012289, OMIM 609524.
Distal myopathy with posterior leg and anterior hand involvement. Also called: WILLIAMS DISTAL MYOPATHY. Identifiers: Orphanet 63273, MedGen C3279722, MONDO:0013550, OMIM 614065.

Submission:

Labcorp Genetics (formerly Invitae), Labcorp
Classification: Uncertain significance for Distal myopathy with posterior leg and anterior hand involvement; Myofibrillar myopathy 5; Hypertrophic cardiomyopathy 26. Last evaluated: 2023-11-21. Review status: criteria provided, single submitter. Criteria: Invitae Variant Classification Sherloc (09022015). Collection method: clinical testing. Allele origin: germline.
Comment: This sequence change replaces isoleucine, which is neutral and non-polar, with leucine, which is neutral and non-polar, at codon 1387 of the FLNC protein (p.Ile1387Leu). This variant is not present in population databases (gnomAD no frequency). This variant has not been reported in the literature in individuals affected with FLNC-related conditions. Advanced modeling of protein sequence and biophysical properties (such as structural, functional, and spatial information, amino acid conservation, physicochemical variation, residue mobility, and thermodynamic stability) has been performed at Invitae for this missense variant, however the output from this modeling did not meet the statistical confidence thresholds required to predict the impact of this variant on FLNC protein function. In summary, the available evidence is currently insufficient to determine the role of this variant in disease. Therefore, it has been classified as a Variant of Uncertain Significance.